The following is an entry in ClinVar:

ClinVar aggregate classification (germline): Uncertain significance (1 of 4 stars; one submission).

gnomAD v4.1: 1 of 1,614,204 alleles (0.000062%); highest among the groups gnomAD compares: African/African-American, 0.0013%; no homozygotes.

Submission:

Labcorp Genetics (formerly Invitae), Labcorp
Classification: Uncertain significance. Last evaluated: 2024-12-18. Review status: criteria provided, single submitter. Criteria: Invitae Variant Classification Sherloc (09022015). Collection method: clinical testing. Allele origin: germline.
Comment: This sequence change replaces glutamic acid, which is acidic and polar, with glycine, which is neutral and non-polar, at codon 36 of the POLE protein (p.Glu36Gly). This variant is not present in population databases (gnomAD no frequency). This variant has not been reported in the literature in individuals affected with POLE-related conditions. Invitae Evidence Modeling of protein sequence and biophysical properties (such as structural, functional, and spatial information, amino acid conservation, physicochemical variation, residue mobility, and thermodynamic stability) indicates that this missense variant is not expected to disrupt POLE protein function with a negative predictive value of 80%. In summary, the available evidence is currently insufficient to determine the role of this variant in disease. Therefore, it has been classified as a Variant of Uncertain Significance.

NM_006231.4(POLE):c.107A>G (p.Glu36Gly)

Gene: POLE (DNA polymerase epsilon, catalytic subunit; minus strand). Cytogenetic location: 12q24.33.
Variant type: single nucleotide variant.
Coding change: c.107A>G on transcript NM_006231.4 (MANE Select); coding-DNA position 107, A replaced by G.
Protein change: p.Glu36Gly; replaces glutamic acid 36 with glycine.
Molecular consequence: missense variant.
Genome position (GRCh38, 1-based): chr12:132,681,235, T>C on the plus strand (A>G on the coding strand, the complement: POLE is on the minus strand). VCF-style: chr12-132681235-T-C. GRCh37 (hg19) VCF-style: chr12-133257821-T-C.
Other names: short protein forms E36G.
Identifiers: ClinVar variation 3615871 (VCV003615871.2).